The following is an entry in ClinVar:

NM_177924.5(ASAH1):c.778A>G (p.Ser260Gly)

Gene: ASAH1 (N-acylsphingosine amidohydrolase 1; minus strand). Cytogenetic location: 8p22.
Variant type: single nucleotide variant.
Coding change: c.778A>G on transcript NM_177924.5 (MANE Select); coding-DNA position 778, A replaced by G.
Protein change: p.Ser260Gly; replaces serine 260 with glycine.
Molecular consequence: missense variant.
Genome position (GRCh38, 1-based): chr8:18,061,384, T>C on the plus strand (A>G on the coding strand, the complement: ASAH1 is on the minus strand). VCF-style: chr8-18061384-T-C. GRCh37 (hg19) VCF-style: chr8-17918893-T-C.
Other names: c.760A>G, p.Ser254Gly (NM_001127505.3); c.583A>G, p.Ser195Gly (NM_001363743.2); c.826A>G, p.Ser276Gly (NM_004315.6); short protein forms S260G, S276G, S195G, S254G.
Identifiers: ClinVar variation 1917303 (VCV001917303.5), dbSNP rs1490892722, ClinGen allele CA370429259.
Genomic context (GRCh38, chr8:18,061,384, plus strand): 5'-AATATGAGTAATTTAAAATAAATATTTAATAGTAAAGCAACGAAACACTTTACCTTGTGC[T>C]ATTTTCCAGAACTGTTCTAGTGAGGAACCCTATCCACATGACATCTTTCTTTCCCAGAAT-3'
Protein context (NP_808592.2, residues 250-270): GFLTRTVLEN[Ser260Gly]TSYEEAKNLL

ClinVar aggregate classification (germline): Uncertain significance (1 of 4 stars; one submission).

Allele frequency attached by ClinVar (database versions not stated): gnomAD exomes below 0.00001; gnomAD 0.00001; TOPMed 0.00001.
gnomAD v4.1: 3 of 1,610,840 alleles (0.00019%); highest among the groups gnomAD compares: East Asian, 0.0022%; no homozygotes.

Submission:

Labcorp Genetics (formerly Invitae), Labcorp
Classification: Uncertain significance. Last evaluated: 2023-07-10. Review status: criteria provided, single submitter. Criteria: Invitae Variant Classification Sherloc (09022015). Collection method: clinical testing. Allele origin: germline.
Comment: In summary, the available evidence is currently insufficient to determine the role of this variant in disease. Therefore, it has been classified as a Variant of Uncertain Significance. Advanced modeling of protein sequence and biophysical properties (such as structural, functional, and spatial information, amino acid conservation, physicochemical variation, residue mobility, and thermodynamic stability) performed at Invitae indicates that this missense variant is not expected to disrupt ASAH1 protein function. ClinVar contains an entry for this variant (Variation ID: 1917303). This variant has not been reported in the literature in individuals affected with ASAH1-related conditions. This variant is not present in population databases (gnomAD no frequency). This sequence change replaces serine, which is neutral and polar, with glycine, which is neutral and non-polar, at codon 260 of the ASAH1 protein (p.Ser260Gly).